The following is an entry in ClinVar:

ClinVar aggregate classification (germline): Pathogenic (1 of 4 stars; one submission).

Conditions:
3-Oxo-5 alpha-steroid delta 4-dehydrogenase deficiency (PPSH). Also called: MALE PSEUDOHERMAPHRODITISM DUE TO 5-ALPHA-REDUCTASE DEFICIENCY; PSEUDOVAGINAL PERINEOSCROTAL HYPOSPADIAS; FAMILIAL INCOMPLETE MALE PSEUDOHERMAPHRODITISM, TYPE 2; 46,XY disorder of sex development due to 5-alpha-reductase 2 deficiency. Identifiers: Orphanet 753, MedGen C0268297, MONDO:0009923, OMIM 264600. Disease mechanism: loss of function.

Submission:

Institute of Reproductive and Stem Cell Engineering, Central South University
Classification: Pathogenic for 3-Oxo-5 alpha-steroid delta 4-dehydrogenase deficiency. Last evaluated: 2018-02-01. Review status: criteria provided, single submitter. Criteria: ACMG Guidelines, 2015. Collection method: research. Allele origin: maternal, unknown. Inheritance: Autosomal recessive inheritance. Affected: yes and no. Observed: 2 variant alleles, 2 compound heterozygotes, 1 homozygote. Clinical features observed: Perineal hypospadias (HP:0000051), Cryptorchidism (HP:0000028), Micropenis (HP:0000054).
Comment: The single-base deletion led to a frameshift mutation which was predicted to result in the formation of a truncated SRD5A2 protein with a stop codon at position 88. Although no functional studies have been performed, a mutant protein lacking several key regions could be pathogenic, be degraded, or confer a loss of function.

Literature cited by the submitters: PubMed 28663096.

NM_000348.4(SRD5A2):c.218del (p.Leu73fs)

Gene: SRD5A2 (steroid 5 alpha-reductase 2; minus strand). Cytogenetic location: 2p23.1.
Variant type: Deletion.
Coding change: c.218del on transcript NM_000348.4 (MANE Select); coding-DNA position 218, one base deleted (T; older notation c.218delT).
Protein change: p.Leu73fs; shifts the reading frame from leucine 73.
Molecular consequence: frameshift variant.
Genome position (GRCh38, 1-based): chr2:31,580,683, A deleted on the plus strand (T on the coding strand, the reverse complement: SRD5A2 is on the minus strand). VCF-style (leftmost placement, unchanged base first): chr2-31580682-GA-G. GRCh37 (hg19) VCF-style: chr2-31805752-GA-G.
Other names: short protein forms L73fs.
Identifiers: ClinVar variation 548143 (VCV000548143.3), dbSNP rs1553329427, ClinGen allele CA658822360.